The following is an entry in ClinVar:

ClinVar aggregate classification (germline): Benign/Likely benign. Review status: criteria provided, multiple submitters, no conflicts (2 of 4 stars). 5 submissions from 5 submitters: Benign (1); Likely benign (4). Last evaluated 2026-06-30.

Conditions:
Sessile serrated polyposis cancer syndrome (SSPCS). Identifiers: Orphanet 157798, MedGen C4310714, MONDO:0014919, OMIM 617108.

Allele frequency attached by ClinVar (database versions not stated): gnomAD exomes below 0.00001.
gnomAD v4.1: 1 of 1,614,054 alleles (0.000062%); highest among the groups gnomAD compares: East Asian, 0.0022%; no homozygotes.

Submissions (5):

Myriad Genetics, Inc.
Classification: Benign for Sessile serrated polyposis cancer syndrome. Last evaluated: 2026-06-30. Review status: criteria provided, single submitter. Criteria: Myriad Autosomal Dominant, Autosomal Recessive and X-Linked Classification Criteria (2023). Collection method: clinical testing. Allele origin: unknown.
Comment: This variant is considered benign. This variant is a silent/synonymous amino acid change and it is not expected to impact splicing.

CeGaT Center for Human Genetics Tuebingen
Classification: Likely benign. Last evaluated: 2026-06-01. Review status: criteria provided, single submitter. Criteria: CeGaT Center For Human Genetics Tuebingen Variant Classification Criteria Version 2. Collection method: clinical testing. Allele origin: germline. Affected: yes. Observed: 1 variant allele.
Comment: RNF43: BP4, BP7

Center for Genomic Medicine, Rigshospitalet, Copenhagen University Hospital
Classification: Likely benign. Last evaluated: 2025-03-04. Review status: criteria provided, single submitter. Criteria: ACMG Guidelines, 2015. Collection method: clinical testing. Allele origin: germline.

Ambry Genetics
Classification: Likely benign. Last evaluated: 2024-12-06. Review status: criteria provided, single submitter. Criteria: Ambry Variant Classification Scheme 2023. Collection method: clinical testing. Allele origin: germline.

Labcorp Genetics (formerly Invitae), Labcorp
Classification: Likely benign. Last evaluated: 2024-11-09. Review status: criteria provided, single submitter. Criteria: Invitae Variant Classification Sherloc (09022015). Collection method: clinical testing. Allele origin: germline.

NM_017763.6(RNF43):c.549T>C (p.His183=)

Gene: RNF43 (ring finger protein 43; minus strand). Cytogenetic location: 17q22.
Variant type: single nucleotide variant.
Coding change: c.549T>C on transcript NM_017763.6 (MANE Select); coding-DNA position 549, T replaced by C.
Protein change: p.His183=; no amino-acid change (histidine 183 retained).
Molecular consequence: synonymous variant.
Genome position (GRCh38, 1-based): chr17:58,363,308, A>G on the plus strand (T>C on the coding strand, the complement: RNF43 is on the minus strand). VCF-style: chr17-58363308-A-G. GRCh37 (hg19) VCF-style: chr17-56440669-A-G.
Other names: c.549T>C, p.His183= (NM_001305544.3); c.168T>C, p.His56= (NM_001305545.2); c.549T>C (NM_017763.4).
Identifiers: ClinVar variation 2576290 (VCV002576290.7), dbSNP rs1032910124, ClinGen allele CA292015171.